The following is an entry in ClinVar:

ClinVar aggregate classification (germline): Benign/Likely benign. Review status: criteria provided, multiple submitters, no conflicts (2 of 4 stars). 3 submissions from 3 submitters: Benign (1); Likely benign (2). Last evaluated 2026-08-04.

Conditions:
Pheochromocytoma/paraganglioma syndrome 2. Also called: SDHAF2-Related Hereditary Paraganglioma-Pheochromocytoma Syndrome; GLOMUS TUMORS, FAMILIAL, 2; Paragangliomas 2; SDHAF2-Related Hereditary Paraganglioma-Pheochromocytoma Syndrome (Paragangliomas 2). Identifiers: Orphanet 29072, MedGen C1866552, MONDO:0011121, OMIM 601650.
Hereditary cancer-predisposing syndrome. Also called: Neoplastic Syndromes, Hereditary; Tumor predisposition; Hereditary Cancer Syndrome; Hereditary neoplastic syndrome. Identifiers: Orphanet 140162, MedGen C0027672, MeSH D009386, MONDO:0015356.
Hereditary pheochromocytoma and paraganglioma. Also called: Hereditary paragangliomas and pheochromocytomas; Hereditary Paraganglioma-Pheochromocytoma Syndromes; Hereditary pheochromocytoma-paraganglioma. Identifiers: Orphanet 29072, MedGen C4274332, MONDO:0017366.

Submissions (3):

Myriad Genetics, Inc.
Classification: Benign for Pheochromocytoma/paraganglioma syndrome 2. Last evaluated: 2026-08-04. Review status: criteria provided, single submitter. Criteria: Myriad Autosomal Dominant, Autosomal Recessive and X-Linked Classification Criteria (2023). Collection method: clinical testing. Allele origin: unknown.
Comment: This variant is considered benign. This variant is a silent/synonymous amino acid change and it is not expected to impact splicing.

Ambry Genetics
Classification: Likely benign for Hereditary cancer-predisposing syndrome. Last evaluated: 2025-05-18. Review status: criteria provided, single submitter. Criteria: Ambry Variant Classification Scheme 2023. Collection method: clinical testing. Allele origin: germline.

Labcorp Genetics (formerly Invitae), Labcorp
Classification: Likely benign for Hereditary pheochromocytoma and paraganglioma. Last evaluated: 2022-04-29. Review status: criteria provided, single submitter. Criteria: Invitae Variant Classification Sherloc (09022015). Collection method: clinical testing. Allele origin: germline.

NM_017841.4(SDHAF2):c.18G>C (p.Val6=)

Gene: SDHAF2 (succinate dehydrogenase complex assembly factor 2; plus strand). Cytogenetic location: 11q12.2.
Variant type: single nucleotide variant.
Coding change: c.18G>C on transcript NM_017841.4 (MANE Select); coding-DNA position 18, G replaced by C.
Protein change: p.Val6=; no amino-acid change (valine 6 retained).
Molecular consequence: synonymous variant.
Genome position (GRCh38, 1-based): chr11:61,430,164, G>C. VCF-style: chr11-61430164-G-C. GRCh37 (hg19) VCF-style: chr11-61197636-G-C.
Identifiers: ClinVar variation 1964543 (VCV001964543.7), dbSNP rs1590759621, ClinGen allele CA474519168.